The following is an entry in ClinVar:

ClinVar aggregate classification (germline): Uncertain significance (1 of 4 stars; one submission).

Submission:

Labcorp Genetics (formerly Invitae), Labcorp
Classification: Uncertain significance. Last evaluated: 2022-08-23. Review status: criteria provided, single submitter. Criteria: Invitae Variant Classification Sherloc (09022015). Collection method: clinical testing. Allele origin: germline.
Comment: Algorithms developed to predict the effect of missense changes on protein structure and function are either unavailable or do not agree on the potential impact of this missense change (SIFT: "Tolerated"; PolyPhen-2: "Possibly Damaging"; Align-GVGD: "Class C0"). This variant has not been reported in the literature in individuals affected with TUBGCP6-related conditions. This variant is not present in population databases (gnomAD no frequency). This sequence change replaces glycine, which is neutral and non-polar, with arginine, which is basic and polar, at codon 1757 of the TUBGCP6 protein (p.Gly1757Arg). In summary, the available evidence is currently insufficient to determine the role of this variant in disease. Therefore, it has been classified as a Variant of Uncertain Significance.

NM_020461.4(TUBGCP6):c.5269G>C (p.Gly1757Arg)

Gene: TUBGCP6 (tubulin gamma complex component 6; minus strand). Cytogenetic location: 22q13.33.
Variant type: single nucleotide variant.
Coding change: c.5269G>C on transcript NM_020461.4 (MANE Select); coding-DNA position 5269, G replaced by C.
Protein change: p.Gly1757Arg; replaces glycine 1757 with arginine.
Molecular consequence: missense variant.
Genome position (GRCh38, 1-based): chr22:50,218,017, C>G on the plus strand (G>C on the coding strand, the complement: TUBGCP6 is on the minus strand). VCF-style: chr22-50218017-C-G. GRCh37 (hg19) VCF-style: chr22-50656446-C-G.
Other names: short protein forms G1757R.
Identifiers: ClinVar variation 2051186 (VCV002051186.4), dbSNP rs1602501365, ClinGen allele CA412162766.